The following is an entry in ClinVar:

ClinVar aggregate classification (germline): Conflicting classifications of pathogenicity. Review status: criteria provided, conflicting classifications (1 of 4 stars). 8 submissions from 4 submitters: Uncertain significance (4); Benign (2); Likely benign (2). Last evaluated 2022-11-17.

Conditions:
Autosomal recessive limb-girdle muscular dystrophy type 2J (LGMDR10). Also called: MUSCULAR DYSTROPHY, LIMB-GIRDLE, AUTOSOMAL RECESSIVE 10; Limb-girdle muscular dystrophy, type 2J. Identifiers: Orphanet 140922, MedGen C1837342, MONDO:0012127, OMIM 608807.
Dilated cardiomyopathy 1G (CMD1G). Identifiers: Orphanet 154, MedGen C1858763, MONDO:0011400, OMIM 604145.
Cardiomyopathy (CMYO). Also called: Cardiomyopathies. Identifiers: Orphanet 167848, MedGen C0878544, MONDO:0004994, HP:0001638. Inheritance: Various modes of inheritance.
Early-onset myopathy with fatal cardiomyopathy (CMYO5). Also called: Salih Myopathy; CONGENITAL MYOPATHY 5 WITH CARDIOMYOPATHY. Identifiers: Orphanet 289377, MedGen C2673677, MONDO:0012714, OMIM 611705. Disease mechanism: loss of function.
Myopathy, myofibrillar, 9, with early respiratory failure (MFM9). Also called: Myopathy, distal, with early respiratory failure, autosomal dominant; Hereditary myopathy with early respiratory failure; EDSTROM MYOPATHY; MYOPATHY, PROXIMAL, WITH EARLY RESPIRATORY MUSCLE INVOLVEMENT. Identifiers: Orphanet 178464, Orphanet 34521, MedGen C1863599, MONDO:0011362, OMIM 603689.
Tibial muscular dystrophy (TMD). Also called: UDD MYOPATHY; Tibial muscular dystrophy, tardive; Udd Distal Myopathy – Tibial Muscular Dystrophy. Identifiers: Orphanet 609, MedGen C1838244, MONDO:0010870, OMIM 600334.

Allele frequency attached by ClinVar (database versions not stated): 1000 Genomes Project 0.00020; TOPMed 0.00009; 1000 Genomes Project 30x 0.00016.
gnomAD v4.1: 39 of 1,612,550 alleles (0.0024%); highest among the groups gnomAD compares: East Asian, 0.085%; no homozygotes.

Submissions (8):

CHEO Genetics Diagnostic Laboratory, Children's Hospital of Eastern Ontario
Classification: Likely benign for Cardiomyopathy. Last evaluated: 2022-11-17. Review status: criteria provided, single submitter. Criteria: ACMG Guidelines, 2015. Collection method: clinical testing. Allele origin: germline.

GeneDx
Classification: Likely benign. Last evaluated: 2020-06-04. Review status: criteria provided, single submitter. Criteria: GeneDx Variant Classification Process June 2021. Collection method: clinical testing. Allele origin: germline. Affected: yes.

Illumina Laboratory Services, Illumina
Classification: Uncertain significance for Early-onset myopathy with fatal cardiomyopathy. Last evaluated: 2018-01-13. Review status: criteria provided, single submitter. Criteria: ICSL Variant Classification Criteria 13 December 2019. Collection method: clinical testing. Allele origin: germline.

Illumina Laboratory Services, Illumina
Classification: Uncertain significance for Autosomal recessive limb-girdle muscular dystrophy type 2J. Last evaluated: 2018-01-13. Review status: criteria provided, single submitter. Criteria: ICSL Variant Classification Criteria 13 December 2019. Collection method: clinical testing. Allele origin: germline.

Illumina Laboratory Services, Illumina
Classification: Benign for Tibial muscular dystrophy. Last evaluated: 2018-01-13. Review status: criteria provided, single submitter. Criteria: ICSL Variant Classification Criteria 13 December 2019. Collection method: clinical testing. Allele origin: germline.
Comment: This variant was observed in the ICSL laboratory as part of a predisposition screen in an ostensibly healthy population. It had not been previously curated by ICSL or reported in the Human Gene Mutation Database (HGMD: prior to June 1st, 2018), and was therefore a candidate for classification through an automated scoring system. Utilizing variant allele frequency, disease prevalence and penetrance estimates, and inheritance mode, an automated score was calculated to assess if this variant is too frequent to cause the disease. Based on the score and internal cut-off values, a variant classified as benign is not then subjected to further curation. The score for this variant resulted in a classification of benign for this disease.

Illumina Laboratory Services, Illumina
Classification: Benign for Myopathy, myofibrillar, 9, with early respiratory failure. Last evaluated: 2018-01-13. Review status: criteria provided, single submitter. Criteria: ICSL Variant Classification Criteria 13 December 2019. Collection method: clinical testing. Allele origin: germline.
Comment: the same text as in the submission from Illumina Laboratory Services, Illumina above.

Illumina Laboratory Services, Illumina
Classification: Uncertain significance for Dilated cardiomyopathy 1G. Last evaluated: 2018-01-13. Review status: criteria provided, single submitter. Criteria: ICSL Variant Classification Criteria 13 December 2019. Collection method: clinical testing. Allele origin: germline.

Labcorp Genetics (formerly Invitae), Labcorp
Classification: Uncertain significance for Dilated cardiomyopathy 1G; Autosomal recessive limb-girdle muscular dystrophy type 2J. Last evaluated: 2016-11-08. Review status: criteria provided, single submitter. Criteria: Invitae Variant Classification Sherloc (09022015). Collection method: clinical testing. Allele origin: germline.

NM_001267550.2(TTN):c.96026T>G (p.Ile32009Arg)

Genes: TTN (titin; minus strand), TTN-AS1 (TTN antisense RNA 1; plus strand). Cytogenetic location: 2q31.2.
Variant type: single nucleotide variant.
Coding change: c.96026T>G on transcript NM_001267550.2 (MANE Select); coding-DNA position 96026, T replaced by G.
Protein change: p.Ile32009Arg; replaces isoleucine 32009 with arginine.
Molecular consequence: missense variant.
Genome position (GRCh38, 1-based): chr2:178,544,203, A>C on the plus strand (T>G on the coding strand, the complement: TTN is on the minus strand). VCF-style: chr2-178544203-A-C. GRCh37 (hg19) VCF-style: chr2-179408930-A-C.
Other names: c.91103T>G, p.Ile30368Arg (NM_001256850.1); c.68831T>G, p.Ile22944Arg (NM_003319.4); c.88322T>G, p.Ile29441Arg (NM_133378.4); c.69206T>G, p.Ile23069Arg (NM_133432.3); c.69407T>G, p.Ile23136Arg (NM_133437.4); short protein forms I32009R, I23069R, I23136R, I22944R, I29441R, I30368R.
Identifiers: ClinVar variation 404800 (VCV000404800.10), dbSNP rs375368824, ClinGen allele CA1986834.
Genomic context (GRCh38, chr2:178,544,203, plus strand): 5'-AATTCATGGACAGGTGTGAGAAGAAAATAATTCACCTAAAAGCTTCTGTGATAAATACCT[A>C]TTCTTTCCACGGGCTCAATTTCAGCAATTGATTCGCTGTATTCGCTCATACCCTTCACGT-3'
Protein context (NP_001254479.2, residues 31999-32019): SIAEIEPVER[Ile32009Arg]EIPDLELADD